The following is an entry in ClinVar:

NM_001369268.1(ACAN):c.1319C>T (p.Thr440Ile)

Gene: ACAN (aggrecan; plus strand). Cytogenetic location: 15q26.1.
Variant type: single nucleotide variant.
Coding change: c.1319C>T on transcript NM_001369268.1 (MANE Select); coding-DNA position 1319, C replaced by T.
Protein change: p.Thr440Ile; replaces threonine 440 with isoleucine.
Molecular consequence: missense variant.
Genome position (GRCh38, 1-based): chr15:88,845,772, C>T. VCF-style: chr15-88845772-C-T. GRCh37 (hg19) VCF-style: chr15-89389003-C-T.
Other names: c.1319C>T, p.Thr440Ile (NM_001135.4, NM_001411096.1, NM_001411097.1 and 1 more transcripts); short protein forms T440I.
Identifiers: ClinVar variation 2438823 (VCV002438823.6), dbSNP rs2505263174, ClinGen allele CA393709909.

ClinVar aggregate classification (germline): Uncertain significance. Review status: criteria provided, multiple submitters, no conflicts (2 of 4 stars). 2 submissions from 2 submitters: Uncertain significance (2). Last evaluated 2023-11-13.

Allele frequency attached by ClinVar (database versions not stated): gnomAD exomes below 0.00001.
gnomAD v4.1: 5 of 1,606,968 alleles (0.00031%); highest among the groups gnomAD compares: South Asian, 0.0033%; no homozygotes.

Submissions (2):

Labcorp Genetics (formerly Invitae), Labcorp
Classification: Uncertain significance. Last evaluated: 2023-11-13. Review status: criteria provided, single submitter. Criteria: Invitae Variant Classification Sherloc (09022015). Collection method: clinical testing. Allele origin: germline.
Comment: This sequence change replaces threonine, which is neutral and polar, with isoleucine, which is neutral and non-polar, at codon 440 of the ACAN protein (p.Thr440Ile). This variant is not present in population databases (gnomAD no frequency). This variant has not been reported in the literature in individuals affected with ACAN-related conditions. ClinVar contains an entry for this variant (Variation ID: 2438823). Advanced modeling of protein sequence and biophysical properties (such as structural, functional, and spatial information, amino acid conservation, physicochemical variation, residue mobility, and thermodynamic stability) performed at Invitae indicates that this missense variant is not expected to disrupt ACAN protein function with a negative predictive value of 80%. In summary, the available evidence is currently insufficient to determine the role of this variant in disease. Therefore, it has been classified as a Variant of Uncertain Significance.

Revvity Omics, Revvity
Classification: Uncertain significance. Last evaluated: 2022-02-02. Review status: criteria provided, single submitter. Criteria: ACMG Guidelines, 2015. Collection method: clinical testing. Allele origin: germline.